The following is an entry in ClinVar:

NM_002878.4(RAD51D):c.220G>C (p.Glu74Gln)

Genes: RAD51D (RAD51 paralog D; minus strand), RAD51L3-RFFL (RAD51L3-RFFL readthrough; minus strand). Cytogenetic location: 17q12.
Variant type: single nucleotide variant.
Coding change: c.220G>C on transcript NM_002878.4 (MANE Select); coding-DNA position 220, G replaced by C.
Protein change: p.Glu74Gln; replaces glutamic acid 74 with glutamine.
Molecular consequence: missense variant. On other transcripts: intron variant (2).
Genome position (GRCh38, 1-based): chr17:35,118,544, C>G on the plus strand (G>C on the coding strand, the complement: RAD51D is on the minus strand). VCF-style: chr17-35118544-C-G. GRCh37 (hg19) VCF-style: chr17-33445563-C-G.
Other names: c.144+567G>C (NM_133629.3, NM_001142571.2); short protein forms E74Q.
Identifiers: ClinVar variation 2448047 (VCV002448047.2), dbSNP rs2142474014, ClinGen allele CA399091269.

ClinVar aggregate classification (germline): Uncertain significance (1 of 4 stars; one submission).

Conditions:
Hereditary cancer-predisposing syndrome. Also called: Neoplastic Syndromes, Hereditary; Hereditary Cancer Syndrome; Tumor predisposition; Hereditary neoplastic syndrome. Identifiers: Orphanet 140162, MedGen C0027672, MeSH D009386, MONDO:0015356.

Submission:

Ambry Genetics
Classification: Uncertain significance for Hereditary cancer-predisposing syndrome. Last evaluated: 2022-12-23. Review status: criteria provided, single submitter. Criteria: Ambry Variant Classification Scheme 2023. Collection method: clinical testing. Allele origin: germline.
Comment: The p.E74Q variant (also known as c.220G>C), located in coding exon 3 of the RAD51D gene, results from a G to C substitution at nucleotide position 220. The glutamic acid at codon 74 is replaced by glutamine, an amino acid with highly similar properties. This amino acid position is conserved. In addition, the in silico prediction for this alteration is inconclusive. Since supporting evidence is limited at this time, the clinical significance of this alteration remains unclear.